The following is an entry in ClinVar:

NC_000016.10:g.(?_23621362)_(23626397_?)del

Gene: PALB2 (partner and localizer of BRCA2; minus strand). Cytogenetic location: 16p12.2.
Variant type: Deletion.
Identifiers: ClinVar variation 417612 (VCV000417612.2).

ClinVar aggregate classification (germline): Pathogenic (1 of 4 stars; one submission).

Conditions:
Familial cancer of breast. Also called: Hereditary breast cancer; BREAST CANCER, FAMILIAL; hereditary breast carcinoma. Identifiers: Orphanet 227535, MedGen C0346153, MONDO:0016419, OMIM 114480. Disease mechanism: loss of function.

Submission:

Labcorp Genetics (formerly Invitae), Labcorp
Classification: Pathogenic for Familial cancer of breast. Last evaluated: 2016-11-26. Review status: criteria provided, single submitter. Criteria: Invitae Variant Classification Sherloc (09022015). Collection method: clinical testing. Allele origin: germline.
Comment: This variant is a gross deletion of the genomic region encompassing exons 7-10 of the PALB2 gene. This creates a premature translational stop signal and is expected to result in an absent or disrupted protein product. While this particular variant has not been reported in the literature, loss-of-function variants in PALB2 are known to be pathogenic (PMID: 25099575, 17200668). For these reasons, this variant has been classified as Pathogenic.